The following is an entry in ClinVar:

NM_000070.3(CAPN3):c.1016C>T (p.Thr339Met)

Gene: CAPN3 (calpain 3; plus strand). Cytogenetic location: 15q15.1.
Variant type: single nucleotide variant.
Coding change: c.1016C>T on transcript NM_000070.3 (MANE Select); coding-DNA position 1016, C replaced by T.
Protein change: p.Thr339Met; replaces threonine 339 with methionine.
Molecular consequence: missense variant.
Genome position (GRCh38, 1-based): chr15:42,392,709, C>T. VCF-style: chr15-42392709-C-T. GRCh37 (hg19) VCF-style: chr15-42684907-C-T.
Other names: c.1016C>T, p.Thr339Met (NM_024344.2); c.872C>T, p.Thr291Met (NM_173087.2); short protein forms T291M, T339M.
Identifiers: ClinVar variation 954926 (VCV000954926.11), dbSNP rs747193982, ClinGen allele CA7511218.

ClinVar aggregate classification (germline): Uncertain significance. Review status: criteria provided, single submitter (1 of 4 stars). 2 submissions from 2 submitters: Uncertain significance (1). 1 of the submissions does not count toward it. Last evaluated 2025-09-22.

Conditions:
Autosomal recessive limb-girdle muscular dystrophy type 2A (LGMDR1). Also called: LEYDEN-MOEBIUS MUSCULAR DYSTROPHY; MUSCULAR DYSTROPHY, PELVOFEMORAL; Limb-girdle muscular dystrophy, type 2A; Calpainopathy; Muscular dystrophy, limb-girdle, type 2A, Amish. Identifiers: Orphanet 267, MedGen C1869123, MONDO:0009675, OMIM 253600. Disease mechanism: loss of function.

Allele frequency attached by ClinVar (database versions not stated): ExAC 0.00001; gnomAD 0.00001; gnomAD exomes 0.00001; TOPMed 0.00001.
gnomAD v4.1: 8 of 1,613,618 alleles (0.0005%); highest among the groups gnomAD compares: African/African-American, 0.0027%; no homozygotes.

Submissions (2):

Labcorp Genetics (formerly Invitae), Labcorp
Classification: Uncertain significance for Autosomal recessive limb-girdle muscular dystrophy type 2A. Last evaluated: 2025-09-22. Review status: criteria provided, single submitter. Criteria: Invitae Variant Classification Sherloc (09022015). Collection method: clinical testing. Allele origin: germline.
Comment: This sequence change replaces threonine, which is neutral and polar, with methionine, which is neutral and non-polar, at codon 339 of the CAPN3 protein (p.Thr339Met). This variant is present in population databases (rs747193982, gnomAD 0.006%). This variant has not been reported in the literature in individuals affected with CAPN3-related conditions. ClinVar contains an entry for this variant (Variation ID: 954926). Invitae Evidence Modeling of protein sequence and biophysical properties (such as structural, functional, and spatial information, amino acid conservation, physicochemical variation, residue mobility, and thermodynamic stability) indicates that this missense variant is expected to disrupt CAPN3 protein function with a positive predictive value of 80%. In summary, the available evidence is currently insufficient to determine the role of this variant in disease. Therefore, it has been classified as a Variant of Uncertain Significance.

Natera, Inc.
Classification: Uncertain significance for Limb-girdle muscular dystrophy type 2A. Last evaluated: 2020-08-29. Review status: no assertion criteria provided. Collection method: clinical testing. Allele origin: germline. Not counted in ClinVar's aggregate classification.